The following is an entry in ClinVar:

NM_005733.3(KIF20A):c.863C>T (p.Thr288Ile)

Gene: KIF20A (kinesin family member 20A; plus strand). Cytogenetic location: 5q31.2.
Variant type: single nucleotide variant.
Coding change: c.863C>T on transcript NM_005733.3 (MANE Select); coding-DNA position 863, C replaced by T.
Protein change: p.Thr288Ile; replaces threonine 288 with isoleucine.
Molecular consequence: missense variant.
Genome position (GRCh38, 1-based): chr5:138,183,199, C>T. VCF-style: chr5-138183199-C-T. GRCh37 (hg19) VCF-style: chr5-137518888-C-T.
Other names: short protein forms T288I.
Identifiers: ClinVar variation 2071207 (VCV002071207.4), dbSNP rs1754688538, ClinGen allele CA361114404.

ClinVar aggregate classification (germline): Uncertain significance (1 of 4 stars; one submission).

Allele frequency attached by ClinVar (database versions not stated): TOPMed 0.00002; gnomAD exomes below 0.00001.
gnomAD v4.1: 1 of 1,614,212 alleles (0.000062%); highest among the groups gnomAD compares: African/African-American, 0.0013%; no homozygotes.

Submission:

Labcorp Genetics (formerly Invitae), Labcorp
Classification: Uncertain significance. Last evaluated: 2023-12-13. Review status: criteria provided, single submitter. Criteria: Invitae Variant Classification Sherloc (09022015). Collection method: clinical testing. Allele origin: germline.
Comment: This sequence change replaces threonine, which is neutral and polar, with isoleucine, which is neutral and non-polar, at codon 288 of the KIF20A protein (p.Thr288Ile). This variant is not present in population databases (gnomAD no frequency). This variant has not been reported in the literature in individuals affected with KIF20A-related conditions. ClinVar contains an entry for this variant (Variation ID: 2071207). An algorithm developed to predict the effect of missense changes on protein structure and function (PolyPhen-2) suggests that this variant is likely to be tolerated. In summary, the available evidence is currently insufficient to determine the role of this variant in disease. Therefore, it has been classified as a Variant of Uncertain Significance.